The following is an entry in ClinVar:

NM_000051.4(ATM):c.5265_5274del (p.Met1755fs)

Gene: ATM (ATM serine/threonine kinase; plus strand). Cytogenetic location: 11q22.3.
Variant type: Deletion.
Coding change: c.5265_5274del on transcript NM_000051.4 (MANE Select); coding-DNA positions 5265 to 5274, 10 bases deleted (GACAACAGAT; older notation c.5265_5274delGACAACAGAT).
Protein change: p.Met1755fs; shifts the reading frame from methionine 1755.
Molecular consequence: frameshift variant.
Genome position (GRCh38, 1-based): chr11:108,301,735-108,301,744, GACAACAGAT deleted; deleting any 10 consecutive bases within chr11:108,301,731-108,301,744 gives the same sequence; the c. name uses the placement nearest the transcript's 3' end. VCF-style (leftmost placement, unchanged base first): chr11-108301730-AAGATGACAAC-A. GRCh37 (hg19) VCF-style: chr11-108172457-AAGATGACAAC-A.
Other names: c.5265_5274del, p.Met1755fs (NM_001351834.2); c.5265_5274del10 (NM_000051.3); short protein forms M1755fs.
Identifiers: ClinVar variation 1746459 (VCV001746459.2), dbSNP rs2546973567, ClinGen allele CA2580083059.
Genomic context (GRCh38, chr11:108,301,730, plus strand): 5'-GTTACCTGTTTGAAAAACATTTTAGCCACAAAGACTGGACATAGTTTCTGGGAGATTTAT[AAGATGACAAC>A]AGATCCAATGCTGGCCTATCTACAGCCTTTTAGAACATCAAGAAAAAAGGTCTCTTAAGT-3'

ClinVar aggregate classification (germline): Pathogenic (1 of 4 stars; one submission).

Conditions:
Hereditary cancer-predisposing syndrome. Also called: Hereditary Cancer Syndrome; Neoplastic Syndromes, Hereditary; Tumor predisposition; Hereditary neoplastic syndrome. Identifiers: Orphanet 140162, MedGen C0027672, MeSH D009386, MONDO:0015356.

Submission:

Ambry Genetics
Classification: Pathogenic for Hereditary cancer-predisposing syndrome. Last evaluated: 2020-05-11. Review status: criteria provided, single submitter. Criteria: Ambry Variant Classification Scheme 2023. Collection method: clinical testing. Allele origin: germline.
Comment: The c.5265_5274del10 pathogenic mutation, located in coding exon 34 of the ATM gene, results from a deletion of 10 nucleotides at nucleotide positions 5265 to 5274, causing a translational frameshift with a predicted alternate stop codon (p.M1755Ifs*18). This alteration is expected to result in loss of function by premature protein truncation or nonsense-mediated mRNA decay. As such, this alteration is interpreted as a disease-causing mutation.